The following is an entry in ClinVar:

ClinVar aggregate classification (germline): Uncertain significance (1 of 4 stars; one submission).

Conditions:
Propionic acidemia (PROP). Also called: GLYCINEMIA, KETOTIC; HYPERGLYCINEMIA WITH KETOACIDOSIS AND LEUKOPENIA; KETOTIC HYPERGLYCINEMIA. Identifiers: Orphanet 35, MedGen C0268579, MONDO:0011628, OMIM 606054, HP:0003571.

Allele frequency attached by ClinVar (database versions not stated): gnomAD exomes below 0.00001; TOPMed below 0.00001.
gnomAD v4.1: 6 of 1,612,530 alleles (0.00037%); highest among the groups gnomAD compares: African/African-American, 0.008%; no homozygotes.

Submission:

Labcorp Genetics (formerly Invitae), Labcorp
Classification: Uncertain significance for Propionic acidemia. Last evaluated: 2022-08-09. Review status: criteria provided, single submitter. Criteria: Invitae Variant Classification Sherloc (09022015). Collection method: clinical testing. Allele origin: germline.
Comment: This sequence change replaces asparagine, which is neutral and polar, with histidine, which is basic and polar, at codon 36 of the PCCB protein (p.Asn36His). This variant is not present in population databases (gnomAD no frequency). This variant has not been reported in the literature in individuals affected with PCCB-related conditions. Advanced modeling of protein sequence and biophysical properties (such as structural, functional, and spatial information, amino acid conservation, physicochemical variation, residue mobility, and thermodynamic stability) performed at Invitae indicates that this missense variant is not expected to disrupt PCCB protein function. In summary, the available evidence is currently insufficient to determine the role of this variant in disease. Therefore, it has been classified as a Variant of Uncertain Significance.

NM_000532.5(PCCB):c.106A>C (p.Asn36His)

Gene: PCCB (propionyl-CoA carboxylase subunit beta; plus strand). Cytogenetic location: 3q22.3.
Variant type: single nucleotide variant.
Coding change: c.106A>C on transcript NM_000532.5 (MANE Select); coding-DNA position 106, A replaced by C.
Protein change: p.Asn36His; replaces asparagine 36 with histidine.
Molecular consequence: missense variant.
Genome position (GRCh38, 1-based): chr3:136,250,481, A>C. VCF-style: chr3-136250481-A-C. GRCh37 (hg19) VCF-style: chr3-135969323-A-C.
Other names: c.106A>C, p.Asn36His (NM_001178014.2); short protein forms N36H.
Identifiers: ClinVar variation 2415221 (VCV002415221.3), dbSNP rs1941480759, ClinGen allele CA354737995.
Genomic context (GRCh38, chr3:136,250,481, plus strand): 5'-GTTCTGGCGAGCGGTCTCCGCGCCGCGGTCCGCAGCCTTTGCAGCCAGGCCACCTCTGTT[A>C]ACGAACGCATCGAAAACAAGCGCCGGACCGCGCTGCTGGGAGGGGGCCAACGCCGTATTG-3'
Protein context (NP_000523.2, residues 26-46): RSLCSQATSV[Asn36His]ERIENKRRTA